The following is an entry in ClinVar:

NM_000548.5(TSC2):c.1258-5G>A

Gene: TSC2 (TSC complex subunit 2; plus strand). Cytogenetic location: 16p13.3.
Variant type: single nucleotide variant.
Coding change: c.1258-5G>A on transcript NM_000548.5 (MANE Select); 5 bases into the intron before coding-DNA position 1258, G replaced by A.
Molecular consequence: intron variant.
Genome position (GRCh38, 1-based): chr16:2,062,492, G>A. VCF-style: chr16-2062492-G-A. GRCh37 (hg19) VCF-style: chr16-2112493-G-A.
Other names: c.1258-5G>A (NM_001114382.3, NM_021055.3, NM_001370405.1 and 3 more transcripts); c.1147-5G>A (NM_001318827.2); c.658-5G>A (NM_001318831.2); c.1111-5G>A (NM_001318829.2); c.1291-5G>A (NM_001318832.2).
Identifiers: ClinVar variation 795553 (VCV000795553.27), dbSNP rs925954967, ClinGen allele CA915946235.
Genomic context (GRCh38, chr16:2,062,492, plus strand): 5'-AGCCCAGTGTGGAGAAGGAGAGCGCCGGAGGGGCAGAGGGGCAACACCGGCTCTTCTTTT[G>A]ACAGGAGTCCTCCCTCCTGAACCTGATCTCCTATAGAGCGCAGTCCATCCACCCGGCCAA-3'

ClinVar aggregate classification (germline): Conflicting classifications of pathogenicity. Review status: criteria provided, conflicting classifications (1 of 4 stars). 2 submissions from 2 submitters: Uncertain significance (1); Likely benign (1). Last evaluated 2024-07-01.

Conditions:
Tuberous sclerosis 2 (TSC2). Identifiers: Orphanet 805, MedGen C1860707, MONDO:0013199, OMIM 613254.

Submissions (2):

CeGaT Center for Human Genetics Tuebingen
Classification: Uncertain significance. Last evaluated: 2024-07-01. Review status: criteria provided, single submitter. Criteria: CeGaT Center For Human Genetics Tuebingen Variant Classification Criteria Version 2. Collection method: clinical testing. Allele origin: germline. Affected: yes. Observed: 1 variant allele.
Comment: TSC2: PM2, BP4

Labcorp Genetics (formerly Invitae), Labcorp
Classification: Likely benign for Tuberous sclerosis 2. Last evaluated: 2021-03-29. Review status: criteria provided, single submitter. Criteria: Invitae Variant Classification Sherloc (09022015). Collection method: clinical testing. Allele origin: germline.